The following is an entry in ClinVar:

ClinVar aggregate classification (germline): Likely benign. Review status: criteria provided, multiple submitters, no conflicts (2 of 4 stars). 2 submissions from 2 submitters: Likely benign (2). Last evaluated 2025-11-18.

Allele frequency attached by ClinVar (database versions not stated): TOPMed 0.00003; gnomAD 0.00005; gnomAD exomes 0.00005; ExAC 0.00012; 1000 Genomes Project 30x 0.00016; 1000 Genomes Project 0.00020.
gnomAD v4.1: 86 of 1,614,122 alleles (0.0053%); highest among the groups gnomAD compares: Middle Eastern, 0.05%; no homozygotes.

Submissions (2):

Labcorp Genetics (formerly Invitae), Labcorp
Classification: Likely benign. Last evaluated: 2025-11-18. Review status: criteria provided, single submitter. Criteria: Invitae Variant Classification Sherloc (09022015). Collection method: clinical testing. Allele origin: germline.

CeGaT Center for Human Genetics Tuebingen
Classification: Likely benign. Last evaluated: 2025-03-01. Review status: criteria provided, single submitter. Criteria: CeGaT Center For Human Genetics Tuebingen Variant Classification Criteria Version 2. Collection method: clinical testing. Allele origin: germline. Affected: yes. Observed: 1 variant allele.
Comment: ARNT2: BP4, BP7

NM_014862.4(ARNT2):c.1938C>T (p.Ser646=)

Gene: ARNT2 (aryl hydrocarbon receptor nuclear translocator 2; plus strand). Cytogenetic location: 15q25.1.
Variant type: single nucleotide variant.
Coding change: c.1938C>T on transcript NM_014862.4 (MANE Select); coding-DNA position 1938, C replaced by T.
Protein change: p.Ser646=; no amino-acid change (serine 646 retained).
Molecular consequence: synonymous variant.
Genome position (GRCh38, 1-based): chr15:80,591,587, C>T. VCF-style: chr15-80591587-C-T. GRCh37 (hg19) VCF-style: chr15-80883928-C-T.
Identifiers: ClinVar variation 2172006 (VCV002172006.11), dbSNP rs201571391, ClinGen allele CA7692227.